The following is an entry in ClinVar:

NM_000540.3(RYR1):c.5471A>C (p.Gln1824Pro)

Gene: RYR1 (ryanodine receptor 1; plus strand). Cytogenetic location: 19q13.2.
Variant type: single nucleotide variant.
Coding change: c.5471A>C on transcript NM_000540.3 (MANE Select); coding-DNA position 5471, A replaced by C.
Protein change: p.Gln1824Pro; replaces glutamine 1824 with proline.
Molecular consequence: missense variant.
Genome position (GRCh38, 1-based): chr19:38,486,126, A>C. VCF-style: chr19-38486126-A-C. GRCh37 (hg19) VCF-style: chr19-38976766-A-C.
Other names: c.5471A>C, p.Gln1824Pro (NM_001042723.2); short protein forms Q1824P.
Identifiers: ClinVar variation 2832184 (VCV002832184.3), dbSNP rs2514230548, ClinGen allele CA405655519.

ClinVar aggregate classification (germline): Uncertain significance (1 of 4 stars; one submission).

Conditions:
RYR1-related disorder. Also called: RYR1-related condition; RYR1-related disorders. Identifiers: MedGen CN239331.

Submission:

Labcorp Genetics (formerly Invitae), Labcorp
Classification: Uncertain significance for RYR1-related disorder. Last evaluated: 2023-09-03. Review status: criteria provided, single submitter. Criteria: Invitae Variant Classification Sherloc (09022015). Collection method: clinical testing. Allele origin: germline.
Comment: In summary, the available evidence is currently insufficient to determine the role of this variant in disease. Therefore, it has been classified as a Variant of Uncertain Significance. Advanced modeling of protein sequence and biophysical properties (such as structural, functional, and spatial information, amino acid conservation, physicochemical variation, residue mobility, and thermodynamic stability) performed at Invitae indicates that this missense variant is not expected to disrupt RYR1 protein function. This variant has not been reported in the literature in individuals affected with RYR1-related conditions. This variant is not present in population databases (gnomAD no frequency). This sequence change replaces glutamine, which is neutral and polar, with proline, which is neutral and non-polar, at codon 1824 of the RYR1 protein (p.Gln1824Pro).